The following is an entry in ClinVar:

ClinVar aggregate classification (germline): Likely pathogenic (1 of 4 stars; one submission).

Allele frequency attached by ClinVar (database versions not stated): gnomAD exomes below 0.00001 and 0.00001.
gnomAD v4.1: 1 of 1,545,444 alleles (0.000065%); highest among the groups gnomAD compares: East Asian, 0.0023%; no homozygotes.

Submission:

Labcorp Genetics (formerly Invitae), Labcorp
Classification: Likely pathogenic. Last evaluated: 2020-02-19. Review status: criteria provided, single submitter. Criteria: Invitae Variant Classification Sherloc (09022015). Collection method: clinical testing. Allele origin: germline.
Comment: In summary, the currently available evidence indicates that the variant is pathogenic, but additional data are needed to prove that conclusively. Therefore, this variant has been classified as Likely Pathogenic. Donor and acceptor splice site variants typically lead to a loss of protein function (PMID: 16199547), and loss-of-function variants in ANKS1B are known to be pathogenic (PMID: 31388001). This variant has been observed in individual(s) with clinical features of ANKS1B-related disease (Invitae). This variant is not present in population databases (ExAC no frequency). This sequence change affects a donor splice site in intron 23 of the ANKS1B gene. It is expected to disrupt RNA splicing and likely results in an absent or disrupted protein product.

Literature cited by the submitters: PubMed 16199547; PubMed 31388001.

NM_001352186.2(ANKS1B):c.3441+2T>C

Gene: ANKS1B (ankyrin repeat and sterile alpha motif domain containing 1B; minus strand). Cytogenetic location: 12q23.1.
Variant type: single nucleotide variant.
Coding change: c.3441+2T>C on transcript NM_001352186.2 (MANE Select); the canonical splice donor site of the intron after coding-DNA position 3441, T replaced by C.
Molecular consequence: splice donor variant.
Genome position (GRCh38, 1-based): chr12:98,781,115, A>G on the plus strand (T>C on the coding strand, the complement: ANKS1B is on the minus strand). VCF-style: chr12-98781115-A-G. GRCh37 (hg19) VCF-style: chr12-99174893-A-G.
Other names: c.864+2T>C (NM_020140.4, NM_001352199.2, NM_001204070.2); c.1044+2T>C (NM_001352197.2, NM_001352202.2, NM_001352204.2 and 1 more transcripts); c.1116+2T>C (NM_001352196.2, NM_001352195.2, NM_181670.4); c.159+2T>C (NM_001352216.2, NM_001352213.2, NM_001352214.2 and 6 more transcripts); c.384+2T>C (NM_001204081.2, NM_001352209.2, NM_001352207.2 and 2 more transcripts); c.459+2T>C (NM_001352223.2, NM_001204079.2, NM_001352219.2); c.3366+2T>C (NM_152788.4, NM_001352185.1, NM_001352187.1); c.3438+2T>C (NM_001352188.1); and 12 more.
Identifiers: ClinVar variation 1067469 (VCV001067469.10), dbSNP rs1229498461, ClinGen allele CA386192881.